The following is an entry in ClinVar:

ClinVar aggregate classification (germline): Likely benign. Review status: criteria provided, multiple submitters, no conflicts (2 of 4 stars). 3 submissions from 3 submitters: Likely benign (3). Last evaluated 2025-08-11.

Conditions:
Pheochromocytoma/paraganglioma syndrome 5. Also called: SDHA-Related Hereditary Paraganglioma-Pheochromocytoma Syndrome; Paragangliomas 5. Identifiers: Orphanet 29072, MedGen C3279992, MONDO:0013602, OMIM 614165.
Mitochondrial complex II deficiency, nuclear type 1. Also called: SUCCINATE CoQ REDUCTASE DEFICIENCY. Identifiers: Orphanet 3208, MedGen C5700310, MONDO:0100294, OMIM 252011.
Hereditary cancer-predisposing syndrome. Also called: Tumor predisposition; Hereditary neoplastic syndrome; Neoplastic Syndromes, Hereditary; Hereditary Cancer Syndrome. Identifiers: Orphanet 140162, MedGen C0027672, MeSH D009386, MONDO:0015356.

Submissions (3):

Labcorp Genetics (formerly Invitae), Labcorp
Classification: Likely benign for Pheochromocytoma/paraganglioma syndrome 5; Mitochondrial complex II deficiency, nuclear type 1. Last evaluated: 2025-08-11. Review status: criteria provided, single submitter. Criteria: Invitae Variant Classification Sherloc (09022015). Collection method: clinical testing. Allele origin: germline.

CeGaT Center for Human Genetics Tuebingen
Classification: Likely benign. Last evaluated: 2023-11-01. Review status: criteria provided, single submitter. Criteria: CeGaT Center For Human Genetics Tuebingen Variant Classification Criteria Version 2. Collection method: clinical testing. Allele origin: germline. Affected: yes. Observed: 1 variant allele.
Comment: SDHA: PM2:Supporting, BP4, BP7

Ambry Genetics
Classification: Likely benign for Hereditary cancer-predisposing syndrome. Last evaluated: 2019-07-08. Review status: criteria provided, single submitter. Criteria: Ambry Variant Classification Scheme 2023. Collection method: clinical testing. Allele origin: germline.

NM_004168.4(SDHA):c.1038C>A (p.Ser346=)

Gene: SDHA (succinate dehydrogenase complex flavoprotein subunit A; plus strand). Cytogenetic location: 5p15.33.
Variant type: single nucleotide variant.
Coding change: c.1038C>A on transcript NM_004168.4 (MANE Select); coding-DNA position 1038, C replaced by A.
Protein change: p.Ser346=; no amino-acid change (serine 346 retained).
Molecular consequence: synonymous variant.
Genome position (GRCh38, 1-based): chr5:233,619, C>A. VCF-style: chr5-233619-C-A. GRCh37 (hg19) VCF-style: chr5-233734-C-A.
Other names: c.894C>A, p.Ser298= (NM_001294332.2); c.1038C>A, p.Ser346= (NM_001330758.2).
Identifiers: ClinVar variation 822062 (VCV000822062.30), dbSNP rs1041949, ClinGen allele CA442691730.